The following is an entry in ClinVar:

ClinVar aggregate classification (germline): Uncertain significance (1 of 4 stars; one submission).

Conditions:
Inborn genetic diseases. Identifiers: MedGen C0950123, MeSH D030342.

gnomAD v4.1: 2 of 1,613,810 alleles (0.00012%); highest among the groups gnomAD compares: Non-Finnish European, 0.00017%; no homozygotes.

Submission:

Ambry Genetics
Classification: Uncertain significance for Inborn genetic diseases. Last evaluated: 2026-02-16. Review status: criteria provided, single submitter. Criteria: Ambry Variant Classification Scheme 2023. Collection method: clinical testing. Allele origin: germline.
Comment: The p.Y787H variant (also known as c.2359T>C), located in coding exon 1 of the SAMD9L gene, results from a T to C substitution at nucleotide position 2359. The tyrosine at codon 787 is replaced by histidine, an amino acid with similar properties. This amino acid position is conserved. In addition, the in silico prediction for this alteration is inconclusive. Based on the available evidence, the clinical significance of this variant remains unclear.

NM_152703.5(SAMD9L):c.2359T>C (p.Tyr787His)

Gene: SAMD9L (sterile alpha motif domain containing 9 like; minus strand). Cytogenetic location: 7q21.2.
Variant type: single nucleotide variant.
Coding change: c.2359T>C on transcript NM_152703.5 (MANE Select); coding-DNA position 2359, T replaced by C.
Protein change: p.Tyr787His; replaces tyrosine 787 with histidine.
Molecular consequence: missense variant.
Genome position (GRCh38, 1-based): chr7:93,133,613, A>G on the plus strand (T>C on the coding strand, the complement: SAMD9L is on the minus strand). VCF-style: chr7-93133613-A-G. GRCh37 (hg19) VCF-style: chr7-92762926-A-G.
Other names: c.2359T>C, p.Tyr787His (NM_001303496.3, NM_001303497.3, NM_001303498.3 and 5 more transcripts); short protein forms Y787H.
Identifiers: ClinVar variation 4844832 (VCV004844832.1).